The following is an entry in ClinVar:

ClinVar aggregate classification (germline): Uncertain significance (1 of 4 stars; one submission).

Conditions:
Charcot-Marie-Tooth disease type 4. Also called: Charcot-Marie-Tooth disease, type IV; Charcot-Marie-Tooth, Type 4. Identifiers: Orphanet 64749, MedGen C4082197, MONDO:0018995.

Allele frequency attached by ClinVar (database versions not stated): gnomAD exomes below 0.00001 and 0.00001; ExAC 0.00002.
gnomAD v4.1: 7 of 1,614,160 alleles (0.00043%); highest among the groups gnomAD compares: Non-Finnish European, 0.00042%; no homozygotes.

Submission:

Labcorp Genetics (formerly Invitae), Labcorp
Classification: Uncertain significance for Charcot-Marie-Tooth disease type 4. Last evaluated: 2019-06-18. Review status: criteria provided, single submitter. Criteria: Invitae Variant Classification Sherloc (09022015). Collection method: clinical testing. Allele origin: germline.
Comment: Algorithms developed to predict the effect of missense changes on protein structure and function (SIFT, PolyPhen-2, Align-GVGD) all suggest that this variant is likely to be tolerated, but these predictions have not been confirmed by published functional studies and their clinical significance is uncertain. In summary, the available evidence is currently insufficient to determine the role of this variant in disease. Therefore, it has been classified as a Variant of Uncertain Significance. This variant has not been reported in the literature in individuals with SBF2-related conditions. This variant is present in population databases (rs749729139, ExAC 0.003%). This sequence change replaces phenylalanine with leucine at codon 1200 of the SBF2 protein (p.Phe1200Leu). The phenylalanine residue is highly conserved and there is a small physicochemical difference between phenylalanine and leucine.

NM_030962.4(SBF2):c.3598T>C (p.Phe1200Leu)

Gene: SBF2 (SET binding factor 2; minus strand). Cytogenetic location: 11p15.4.
Variant type: single nucleotide variant.
Coding change: c.3598T>C on transcript NM_030962.4 (MANE Select); coding-DNA position 3598, T replaced by C.
Protein change: p.Phe1200Leu; replaces phenylalanine 1200 with leucine.
Molecular consequence: missense variant.
Genome position (GRCh38, 1-based): chr11:9,832,278, A>G on the plus strand (T>C on the coding strand, the complement: SBF2 is on the minus strand). VCF-style: chr11-9832278-A-G. GRCh37 (hg19) VCF-style: chr11-9853825-A-G.
Other names: c.3598T>C, p.Phe1200Leu (NM_001386339.1); c.3469T>C, p.Phe1157Leu (NM_001386342.1); short protein forms F1200L, F1157L.
Identifiers: ClinVar variation 945763 (VCV000945763.10), dbSNP rs749729139, ClinGen allele CA5881226.